The following is an entry in ClinVar:

ClinVar aggregate classification (germline): Uncertain significance (1 of 4 stars; one submission).

Conditions:
Dilated cardiomyopathy 1G (CMD1G). Identifiers: Orphanet 154, MedGen C1858763, MONDO:0011400, OMIM 604145.
Autosomal recessive limb-girdle muscular dystrophy type 2J (LGMDR10). Also called: Limb-girdle muscular dystrophy, type 2J; MUSCULAR DYSTROPHY, LIMB-GIRDLE, AUTOSOMAL RECESSIVE 10. Identifiers: Orphanet 140922, MedGen C1837342, MONDO:0012127, OMIM 608807.

Submission:

Labcorp Genetics (formerly Invitae), Labcorp
Classification: Uncertain significance for Dilated cardiomyopathy 1G; Autosomal recessive limb-girdle muscular dystrophy type 2J. Last evaluated: 2024-10-12. Review status: criteria provided, single submitter. Criteria: Invitae Variant Classification Sherloc (09022015). Collection method: clinical testing. Allele origin: germline.
Comment: This sequence change replaces isoleucine, which is neutral and non-polar, with serine, which is neutral and polar, at codon 35937 of the TTN protein (p.Ile35937Ser). This variant is not present in population databases (gnomAD no frequency). This variant has not been reported in the literature in individuals affected with TTN-related conditions. Experimental studies and prediction algorithms are not available or were not evaluated, and the functional significance of this variant is currently unknown. This variant is located in the M band of TTN (PMID: 25589632). Non-truncating variants in this region may be relevant for neuromuscular disorders, but have not been definitively shown to cause cardiomyopathy (PMID: 23975875). In summary, the available evidence is currently insufficient to determine the role of this variant in disease. Therefore, it has been classified as a Variant of Uncertain Significance.

Literature cited by the submitters: PubMed 25589632; PubMed 23975875.

NM_001267550.2(TTN):c.107810T>G (p.Ile35937Ser)

Genes: TTN-AS1 (TTN antisense RNA 1; plus strand), TTN (titin; minus strand). Cytogenetic location: 2q31.2.
Variant type: single nucleotide variant.
Coding change: c.107810T>G on transcript NM_001267550.2 (MANE Select); coding-DNA position 107810, T replaced by G.
Protein change: p.Ile35937Ser; replaces isoleucine 35937 with serine.
Molecular consequence: missense variant.
Genome position (GRCh38, 1-based): chr2:178,527,178, A>C on the plus strand (T>G on the coding strand, the complement: TTN is on the minus strand). VCF-style: chr2-178527178-A-C. GRCh37 (hg19) VCF-style: chr2-179391905-A-C.
Other names: c.102887T>G, p.Ile34296Ser (NM_001256850.1); c.80615T>G, p.Ile26872Ser (NM_003319.4); c.100106T>G, p.Ile33369Ser (NM_133378.4); c.80990T>G, p.Ile26997Ser (NM_133432.3); c.81191T>G, p.Ile27064Ser (NM_133437.4); short protein forms I26872S, I26997S, I27064S, I33369S, I34296S, I35937S.
Identifiers: ClinVar variation 3759390 (VCV003759390.2).